The following is an entry in ClinVar:

ClinVar aggregate classification (germline): Uncertain significance (1 of 4 stars; one submission).

Submission:

Labcorp Genetics (formerly Invitae), Labcorp
Classification: Uncertain significance. Last evaluated: 2023-10-24. Review status: criteria provided, single submitter. Criteria: Invitae Variant Classification Sherloc (09022015). Collection method: clinical testing. Allele origin: germline.
Comment: This sequence change replaces alanine, which is neutral and non-polar, with threonine, which is neutral and polar, at codon 1776 of the CACNA1D protein (p.Ala1776Thr). This variant is not present in population databases (gnomAD no frequency). This variant has not been reported in the literature in individuals affected with CACNA1D-related conditions. An algorithm developed to predict the effect of missense changes on protein structure and function (PolyPhen-2) suggests that this variant is likely to be tolerated. In summary, the available evidence is currently insufficient to determine the role of this variant in disease. Therefore, it has been classified as a Variant of Uncertain Significance.

NM_001128840.3(CACNA1D):c.5266G>A (p.Ala1756Thr)

Gene: CACNA1D (calcium voltage-gated channel subunit alpha1 D; plus strand). Cytogenetic location: 3p21.1.
Variant type: single nucleotide variant.
Coding change: c.5266G>A on transcript NM_001128840.3 (MANE Select); coding-DNA position 5266, G replaced by A.
Protein change: p.Ala1756Thr; replaces alanine 1756 with threonine.
Molecular consequence: missense variant.
Genome position (GRCh38, 1-based): chr3:53,801,283, G>A. VCF-style: chr3-53801283-G-A. GRCh37 (hg19) VCF-style: chr3-53835310-G-A.
Other names: c.5326G>A, p.Ala1776Thr (NM_000720.4); c.5221G>A, p.Ala1741Thr (NM_001128839.3); short protein forms A1756T, A1776T, A1741T.
Identifiers: ClinVar variation 2972633 (VCV002972633.3), dbSNP rs2474469397, ClinGen allele CA353250860.